The following is an entry in ClinVar:

ClinVar aggregate classification (germline): Uncertain significance (1 of 4 stars; one submission).

Conditions:
Schimke immuno-osseous dysplasia (SIOD). Also called: Schimke Immunoosseous Dysplasia. Identifiers: Orphanet 1830, MedGen C0877024, MONDO:0009458, OMIM 242900.

Allele frequency attached by ClinVar (database versions not stated): ExAC 0.00001.
gnomAD v4.1: 19 of 1,614,218 alleles (0.0012%); highest among the groups gnomAD compares: Non-Finnish European, 0.0015%; no homozygotes.

Submission:

Labcorp Genetics (formerly Invitae), Labcorp
Classification: Uncertain significance for Schimke immuno-osseous dysplasia. Last evaluated: 2022-11-22. Review status: criteria provided, single submitter. Criteria: Invitae Variant Classification Sherloc (09022015). Collection method: clinical testing. Allele origin: germline.
Comment: In summary, the available evidence is currently insufficient to determine the role of this variant in disease. Therefore, it has been classified as a Variant of Uncertain Significance. Algorithms developed to predict the effect of sequence changes on RNA splicing suggest that this variant may disrupt the consensus splice site. Advanced modeling of protein sequence and biophysical properties (such as structural, functional, and spatial information, amino acid conservation, physicochemical variation, residue mobility, and thermodynamic stability) performed at Invitae indicates that this missense variant is not expected to disrupt SMARCAL1 protein function. ClinVar contains an entry for this variant (Variation ID: 1374295). This variant has not been reported in the literature in individuals affected with SMARCAL1-related conditions. This variant is present in population databases (rs760336986, gnomAD 0.003%). This sequence change replaces serine, which is neutral and polar, with isoleucine, which is neutral and non-polar, at codon 210 of the SMARCAL1 protein (p.Ser210Ile).

NM_014140.4(SMARCAL1):c.629G>T (p.Ser210Ile)

Gene: SMARCAL1 (SNF2 related chromatin remodeling annealing helicase 1; plus strand). Cytogenetic location: 2q35.
Variant type: single nucleotide variant.
Coding change: c.629G>T on transcript NM_014140.4 (MANE Select); coding-DNA position 629, G replaced by T.
Protein change: p.Ser210Ile; replaces serine 210 with isoleucine.
Molecular consequence: missense variant.
Genome position (GRCh38, 1-based): chr2:216,415,333, G>T. VCF-style: chr2-216415333-G-T. GRCh37 (hg19) VCF-style: chr2-217280056-G-T.
Other names: c.629G>T, p.Ser210Ile (NM_001127207.2); short protein forms S210I.
Identifiers: ClinVar variation 1374295 (VCV001374295.6), dbSNP rs760336986, ClinGen allele CA2097629.